The following is an entry in ClinVar:

NM_001111.5(ADAR):c.2396C>G (p.Ala799Gly)

Gene: ADAR (adenosine deaminase RNA specific; minus strand). Cytogenetic location: 1q21.3.
Variant type: single nucleotide variant.
Coding change: c.2396C>G on transcript NM_001111.5 (MANE Select); coding-DNA position 2396, C replaced by G.
Protein change: p.Ala799Gly; replaces alanine 799 with glycine.
Molecular consequence: missense variant.
Genome position (GRCh38, 1-based): chr1:154,590,284, G>C on the plus strand (C>G on the coding strand, the complement: ADAR is on the minus strand). VCF-style: chr1-154590284-G-C. GRCh37 (hg19) VCF-style: chr1-154562760-G-C.
Other names: c.1511C>G, p.Ala504Gly (NM_001025107.3, NM_001193495.2, NM_001365046.1 and 3 more transcripts); c.2423C>G, p.Ala808Gly (NM_001365045.1); c.2396C>G, p.Ala799Gly (NM_015840.4); c.2339C>G, p.Ala780Gly (NM_015841.4); short protein forms A504G, A780G, A799G, A808G.
Identifiers: ClinVar variation 3754251 (VCV003754251.2).

ClinVar aggregate classification (germline): Uncertain significance (1 of 4 stars; one submission).

Conditions:
Symmetrical dyschromatosis of extremities (DSH). Also called: RETICULATE ACROPIGMENTATION OF DOHI; SYMMETRIC DYSCHROMATOSIS OF THE EXTREMITIES; Dyschromatosis symmetrica hereditaria; DYSCHROMATOSIS SYMMETRICA HEREDITARIA 1. Identifiers: Orphanet 41, MedGen C0406775, MONDO:0007483, OMIM 127400.
Aicardi-Goutieres syndrome 6 (AGS6). Identifiers: Orphanet 51, MedGen C3539013, MONDO:0014007, OMIM 615010.

Submission:

Labcorp Genetics (formerly Invitae), Labcorp
Classification: Uncertain significance for Aicardi-Goutieres syndrome 6; Symmetrical dyschromatosis of extremities. Last evaluated: 2024-02-04. Review status: criteria provided, single submitter. Criteria: Invitae Variant Classification Sherloc (09022015). Collection method: clinical testing. Allele origin: germline.
Comment: This sequence change replaces alanine, which is neutral and non-polar, with glycine, which is neutral and non-polar, at codon 799 of the ADAR protein (p.Ala799Gly). This variant is not present in population databases (gnomAD no frequency). This variant has not been reported in the literature in individuals affected with ADAR-related conditions. Advanced modeling of protein sequence and biophysical properties (such as structural, functional, and spatial information, amino acid conservation, physicochemical variation, residue mobility, and thermodynamic stability) has been performed at Invitae for this missense variant, however the output from this modeling did not meet the statistical confidence thresholds required to predict the impact of this variant on ADAR protein function. In summary, the available evidence is currently insufficient to determine the role of this variant in disease. Therefore, it has been classified as a Variant of Uncertain Significance.